The following is an entry in ClinVar:

ClinVar aggregate classification (germline): Uncertain significance. Review status: criteria provided, multiple submitters, no conflicts (2 of 4 stars). 2 submissions from 2 submitters: Uncertain significance (2). Last evaluated 2020-10-22.

Allele frequency attached by ClinVar (database versions not stated): gnomAD exomes 0.00001.
gnomAD v4.1: 24 of 1,609,480 alleles (0.0015%); highest among the groups gnomAD compares: Non-Finnish European, 0.002%; no homozygotes.

Submissions (2):

GeneDx
Classification: Uncertain significance. Last evaluated: 2020-10-22. Review status: criteria provided, single submitter. Criteria: GeneDx Variant Classification Process June 2021. Collection method: clinical testing. Allele origin: germline. Affected: yes.
Comment: Not observed at a significant frequency in large population cohorts (Lek et al., 2016); Missense variant in a gene in which most reported pathogenic variants are truncating/loss-of-function; Has not been previously published as pathogenic or benign to our knowledge

Eurofins Ntd Llc (ga)
Classification: Uncertain significance. Last evaluated: 2017-06-27. Review status: criteria provided, single submitter. Criteria: EGL Classification Definitions 2015. Collection method: clinical testing. Allele origin: germline. Observed: 2 variant alleles, 2 heterozygotes.

NM_001267550.2(TTN):c.29701A>C (p.Thr9901Pro)

Gene: TTN (titin; minus strand). Cytogenetic location: 2q31.2.
Variant type: single nucleotide variant.
Coding change: c.29701A>C on transcript NM_001267550.2 (MANE Select); coding-DNA position 29701, A replaced by C.
Protein change: p.Thr9901Pro; replaces threonine 9901 with proline.
Molecular consequence: missense variant. On other transcripts: intron variant (3).
Genome position (GRCh38, 1-based): chr2:178,704,771, T>G on the plus strand (A>C on the coding strand, the complement: TTN is on the minus strand). VCF-style: chr2-178704771-T-G. GRCh37 (hg19) VCF-style: chr2-179569498-T-G.
Other names: c.28750A>C, p.Thr9584Pro (NM_001256850.1); c.25969A>C, p.Thr8657Pro (NM_133378.4); c.13282+33311A>C (NM_003319.4); c.13858+33311A>C (NM_133437.4); c.13657+33311A>C (NM_133432.3); short protein forms T8657P, T9901P, T9584P.
Identifiers: ClinVar variation 502727 (VCV000502727.7), dbSNP rs1295313284, ClinGen allele CA349579358.
Genomic context (GRCh38, chr2:178,704,771, plus strand): 5'-TTTCAAAGACAGCATCATTATCTTTCAAAACTGTCTGATTTTCAATGTCCTTGATCAGAG[T>G]GACAGGCTAGGAGAATAAAGAATTAAAACACATTTGTTACTCCTTCCCTTATAATAATAC-3'
Protein context (NP_001254479.2, residues 9891-9911): QQRLSQTEPV[Thr9901Pro]LIKDIENQTV